The following is an entry in ClinVar:

ClinVar aggregate classification (germline): Pathogenic. Review status: criteria provided, multiple submitters, no conflicts (2 of 4 stars). 3 submissions from 3 submitters: Pathogenic (3). Last evaluated 2023-05-18.

Conditions:
Neurofibromatosis, type 1 (NF1). Also called: NEUROFIBROMATOSIS, TYPE I, SOMATIC; VON RECKLINGHAUSEN DISEASE; Neurofibromatosis, type I; Peripheral type neurofibromatosis. Identifiers: Orphanet 636, MedGen C0027831, MONDO:0018975, OMIM 162200. Disease mechanism: loss of function.

Submissions (3):

Labcorp Genetics (formerly Invitae), Labcorp
Classification: Pathogenic for Neurofibromatosis, type 1. Last evaluated: 2023-05-18. Review status: criteria provided, single submitter. Criteria: Invitae Variant Classification Sherloc (09022015). Collection method: clinical testing. Allele origin: germline.
Comment: ClinVar contains an entry for this variant (Variation ID: 489226). Disruption of this splice site has been observed in individual(s) with neurofibromatosis type I (PMID: 16944272). This variant is not present in population databases (gnomAD no frequency). This sequence change affects a donor splice site in intron 50 of the NF1 gene. It is expected to disrupt RNA splicing. Variants that disrupt the donor or acceptor splice site typically lead to a loss of protein function (PMID: 16199547), and loss-of-function variants in NF1 are known to be pathogenic (PMID: 10712197, 23913538). Algorithms developed to predict the effect of sequence changes on RNA splicing suggest that this variant may disrupt the consensus splice site. For these reasons, this variant has been classified as Pathogenic.

GeneDx
Classification: Pathogenic. Last evaluated: 2023-02-15. Review status: criteria provided, single submitter. Criteria: GeneDx Variant Classification Process June 2021. Collection method: clinical testing. Allele origin: germline. Affected: yes.
Comment: Canonical splice site variant predicted to result in a null allele in a gene for which loss of function is a known mechanism of disease; Not observed at significant frequency in large population cohorts (gnomAD); Has not been previously published as pathogenic or benign to our knowledge; This variant is associated with the following publications: (PMID: 23913538, 16944272, 10712197)

Genome-Nilou Lab
Classification: Pathogenic for Neurofibromatosis, type 1. Last evaluated: 2022-03-15. Review status: criteria provided, single submitter. Criteria: ACMG Guidelines, 2015. Collection method: clinical testing. Allele origin: germline. Affected: no.

Literature cited by the submitters: PubMed 16944272 (cited by Labcorp Genetics (formerly Invitae), Labcorp); PubMed 16199547 (cited by Labcorp Genetics (formerly Invitae), Labcorp); PubMed 10712197 (cited by Labcorp Genetics (formerly Invitae), Labcorp); PubMed 23913538 (cited by Labcorp Genetics (formerly Invitae), Labcorp).

NM_001042492.3(NF1):c.7615+1G>T

Gene: NF1 (neurofibromin 1; plus strand). Cytogenetic location: 17q11.2.
Variant type: single nucleotide variant.
Coding change: c.7615+1G>T on transcript NM_001042492.3 (MANE Select); the canonical splice donor site of the intron after coding-DNA position 7615, G replaced by T.
Molecular consequence: splice donor variant.
Genome position (GRCh38, 1-based): chr17:31,352,415, G>T. VCF-style: chr17-31352415-G-T. GRCh37 (hg19) VCF-style: chr17-29679433-G-T.
Other names: c.7552+1G>T (NM_000267.4).
Identifiers: ClinVar variation 489226 (VCV000489226.11), dbSNP rs1555536380, ClinGen allele CA399017904.